The following is an entry in ClinVar:

NM_031935.3(HMCN1):c.4805A>G (p.Tyr1602Cys)

Gene: HMCN1 (hemicentin 1; plus strand). Cytogenetic location: 1q31.1.
Variant type: single nucleotide variant.
Coding change: c.4805A>G on transcript NM_031935.3 (MANE Select); coding-DNA position 4805, A replaced by G.
Protein change: p.Tyr1602Cys; replaces tyrosine 1602 with cysteine.
Molecular consequence: missense variant.
Genome position (GRCh38, 1-based): chr1:186,015,333, A>G. VCF-style: chr1-186015333-A-G. GRCh37 (hg19) VCF-style: chr1-185984465-A-G.
Other names: short protein forms Y1602C.
Identifiers: ClinVar variation 2995952 (VCV002995952.3), dbSNP rs760407666, ClinGen allele CA1292104.
Genomic context (GRCh38, chr1:186,015,333, plus strand): 5'-ATAAGGACGGGCAGCCAATCATGTCCAGCTCACAAGCACTTTATATTGATAAAGGACAAT[A>G]TCTTCATATTCCTCGAGCACAGGTCTCTGATTCAGCAACATATACGTGTCATGTAGCCAA-3'
Protein context (NP_114141.2, residues 1592-1612): SQALYIDKGQ[Tyr1602Cys]LHIPRAQVSD

ClinVar aggregate classification (germline): Uncertain significance (1 of 4 stars; one submission).

Allele frequency attached by ClinVar (database versions not stated): gnomAD exomes below 0.00001; ExAC 0.00001.
gnomAD v4.1: 5 of 1,613,838 alleles (0.00031%); highest among the groups gnomAD compares: South Asian, 0.0011%; no homozygotes.

Submission:

Labcorp Genetics (formerly Invitae), Labcorp
Classification: Uncertain significance. Last evaluated: 2022-12-05. Review status: criteria provided, single submitter. Criteria: Invitae Variant Classification Sherloc (09022015). Collection method: clinical testing. Allele origin: germline.
Comment: In summary, the available evidence is currently insufficient to determine the role of this variant in disease. Therefore, it has been classified as a Variant of Uncertain Significance. Algorithms developed to predict the effect of missense changes on protein structure and function are either unavailable or do not agree on the potential impact of this missense change (SIFT: "Deleterious"; PolyPhen-2: "Possibly Damaging"; Align-GVGD: "Class C0"). This variant has not been reported in the literature in individuals affected with HMCN1-related conditions. This variant is present in population databases (rs760407666, gnomAD 0.0009%). This sequence change replaces tyrosine, which is neutral and polar, with cysteine, which is neutral and slightly polar, at codon 1602 of the HMCN1 protein (p.Tyr1602Cys).